The following is an entry in ClinVar:

NM_194248.3(OTOF):c.3245A>T (p.Asn1082Ile)

Gene: OTOF (otoferlin; minus strand). Cytogenetic location: 2p23.3.
Variant type: single nucleotide variant.
Coding change: c.3245A>T on transcript NM_194248.3 (MANE Select); coding-DNA position 3245, A replaced by T.
Protein change: p.Asn1082Ile; replaces asparagine 1082 with isoleucine.
Molecular consequence: missense variant.
Genome position (GRCh38, 1-based): chr2:26,474,556, T>A on the plus strand (A>T on the coding strand, the complement: OTOF is on the minus strand). VCF-style: chr2-26474556-T-A. GRCh37 (hg19) VCF-style: chr2-26697424-T-A.
Other names: c.3245A>T, p.Asn1082Ile (NM_001287489.2); c.1004A>T, p.Asn335Ile (NM_004802.4, NM_194323.3); c.1175A>T, p.Asn392Ile (NM_194322.3); short protein forms N1082I, N335I, N392I.
Identifiers: ClinVar variation 4879904 (VCV004879904.1).

ClinVar aggregate classification (germline): VUS-low (0 of 4 stars; one submission).

Conditions:
Autosomal recessive nonsyndromic hearing loss 9. Also called: NEUROSENSORY NONSYNDROMIC RECESSIVE DEAFNESS 9; OTOF-Related Hearing Loss; Deafness, autosomal recessive 9; AUDITORY NEUROPATHY, AUTOSOMAL RECESSIVE, 1, TEMPERATURE-SENSITIVE. Identifiers: Orphanet 90636, MedGen C1832828, MONDO:0010986, OMIM 601071.

Submission:

Diagnosis and Treatment Center of Genetic Hearing Loss, Eye & ENT Hospital of Fudan University
Classification: VUS-low for Autosomal recessive nonsyndromic hearing loss 9. Last evaluated: 2026-02-04. Review status: no assertion criteria provided. Collection method: clinical testing. Allele origin: germline. Inheritance: Autosomal recessive inheritance. Affected: yes.
Comment: The c.3245A>T (p.Asn1082Ile) missense variant in OTOF is absent from population databases (PM2_Supporting). The REVEL score is 0.312.